The following is an entry in ClinVar:

ClinVar aggregate classification (germline): Pathogenic (1 of 4 stars; one submission).

Conditions:
Supravalvar aortic stenosis (SVAS). Also called: Supravalvar aortic stenosis, Eisenberg type. Identifiers: Orphanet 3193, MedGen C0003499, MONDO:0008504, OMIM 185500, HP:0004381.

Submission:

Labcorp Genetics (formerly Invitae), Labcorp
Classification: Pathogenic for Supravalvar aortic stenosis. Last evaluated: 2025-01-29. Review status: criteria provided, single submitter. Criteria: Invitae Variant Classification Sherloc (09022015). Collection method: clinical testing. Allele origin: germline.
Comment: This sequence change creates a premature translational stop signal (p.Pro9Argfs*53) in the ELN gene. It is expected to result in an absent or disrupted protein product. Loss-of-function variants in ELN are known to be pathogenic (PMID: 11175284). This variant is not present in population databases (gnomAD no frequency). This variant has not been reported in the literature in individuals affected with ELN-related conditions. For these reasons, this variant has been classified as Pathogenic.

Literature cited by the submitters: PubMed 11175284.

NM_000501.4(ELN):c.26_33del (p.Pro9fs)

Gene: ELN (elastin; plus strand). Cytogenetic location: 7q11.23.
Variant type: Deletion.
Coding change: c.26_33del on transcript NM_000501.4 (MANE Select); coding-DNA positions 26 to 33, 8 bases deleted (CGCGGCCC; older notation c.26_33delCGCGGCCC).
Protein change: p.Pro9fs; shifts the reading frame from proline 9.
Molecular consequence: frameshift variant.
Genome position (GRCh38, 1-based): chr7:74,028,213-74,028,220, CGCGGCCC deleted; deleting any 8 consecutive bases within chr7:74,028,206-74,028,220 gives the same sequence; the c. name uses the placement nearest the transcript's 3' end. VCF-style (leftmost placement, unchanged base first): chr7-74028205-GGCGGCCCC-G. GRCh37 (hg19) VCF-style: chr7-73442535-GGCGGCCCC-G.
Other names: c.26_33del, p.Pro9fs (NM_001081752.3, NM_001081753.3, NM_001081754.3 and 9 more transcripts); short protein forms P9fs.
Identifiers: ClinVar variation 3729751 (VCV003729751.2).